The following is an entry in ClinVar:

NM_015466.4(PTPN23):c.1778C>T (p.Thr593Ile)

Gene: PTPN23 (protein tyrosine phosphatase non-receptor type 23; plus strand). Cytogenetic location: 3p21.31.
Variant type: single nucleotide variant.
Coding change: c.1778C>T on transcript NM_015466.4 (MANE Select); coding-DNA position 1778, C replaced by T.
Protein change: p.Thr593Ile; replaces threonine 593 with isoleucine.
Molecular consequence: missense variant.
Genome position (GRCh38, 1-based): chr3:47,409,298, C>T. VCF-style: chr3-47409298-C-T. GRCh37 (hg19) VCF-style: chr3-47450788-C-T.
Other names: c.1400C>T, p.Thr467Ile (NM_001304482.2); short protein forms T467I, T593I.
Identifiers: ClinVar variation 2125748 (VCV002125748.4), dbSNP rs1705207690, ClinGen allele CA352555009.
Genomic context (GRCh38, chr3:47,409,298, plus strand): 5'-TGGAGCAGCAGCTGCGTGAGCTTATCCAGAAAGATGACATCACTGCCTCGCTGGTCACCA[C>T]AGACCACTCAGAGATGAAGGTGGGCTGGGTGAGCAGGGTAGAGGGGCTCTGGCTCCGGGC-3'
Protein context (NP_056281.1, residues 583-603): KDDITASLVT[Thr593Ile]DHSEMKKLFE

ClinVar aggregate classification (germline): Uncertain significance (1 of 4 stars; one submission).

Allele frequency attached by ClinVar (database versions not stated): TOPMed below 0.00001.

Submission:

Labcorp Genetics (formerly Invitae), Labcorp
Classification: Uncertain significance. Last evaluated: 2022-04-12. Review status: criteria provided, single submitter. Criteria: Invitae Variant Classification Sherloc (09022015). Collection method: clinical testing. Allele origin: germline.
Comment: This variant has not been reported in the literature in individuals affected with PTPN23-related conditions. In summary, the available evidence is currently insufficient to determine the role of this variant in disease. Therefore, it has been classified as a Variant of Uncertain Significance. Algorithms developed to predict the effect of missense changes on protein structure and function are either unavailable or do not agree on the potential impact of this missense change (SIFT: "Tolerated"; PolyPhen-2: "Not Available"; Align-GVGD: "Class C0"). This variant is not present in population databases (gnomAD no frequency). This sequence change replaces threonine, which is neutral and polar, with isoleucine, which is neutral and non-polar, at codon 593 of the PTPN23 protein (p.Thr593Ile).